The following is an entry in ClinVar:

NM_001005273.3(CHD3):c.1646_1647del (p.Glu549fs)

Gene: CHD3 (chromodomain helicase DNA binding protein 3; plus strand). Cytogenetic location: 17p13.1.
Variant type: Microsatellite.
Coding change: c.1646_1647del on transcript NM_001005273.3 (MANE Select); coding-DNA positions 1646 to 1647, 2 bases deleted (AG; older notation c.1646_1647delAG).
Protein change: p.Glu549fs; shifts the reading frame from glutamic acid 549.
Molecular consequence: frameshift variant.
Genome position (GRCh38, 1-based): chr17:7,895,481-7,895,482, AG deleted; deleting any 2 consecutive bases within chr17:7,895,478-7,895,482 gives the same sequence; the c. name uses the placement nearest the transcript's 3' end. VCF-style (leftmost placement, unchanged base first): chr17-7895477-CGA-C. GRCh37 (hg19) VCF-style: chr17-7798795-CGA-C.
Other names: c.1823_1824del, p.Glu608fs (NM_001005271.3); c.1646_1647del, p.Glu549fs (NM_005852.4); short protein forms E549fs, E608fs.
Identifiers: ClinVar variation 2632907 (VCV002632907.1), dbSNP rs2544842904, ClinGen allele CA2695201238.
Genomic context (GRCh38, chr17:7,895,477, plus strand): 5'-CAACAGGCAGATGGAAATCCAGATGTCCCACCCCCCCGTCCTCTTCAAGGCAGATCAGAG[CGA>C]GAGTTCTTTGTCAAGTGGGTAGGACTATCCTACTGGCACTGCTCCTGGGCCAAGGAGCTT-3'

ClinVar aggregate classification (germline): Likely pathogenic (1 of 4 stars; one submission).

Conditions:
CHD3-related disorder. Also called: CHD3-related condition.

Submission:

PreventionGenetics, part of Exact Sciences
Classification: Likely pathogenic for CHD3-related condition. Last evaluated: 2023-06-02. Review status: criteria provided, single submitter. Criteria: ACMG Guidelines, 2015. Collection method: clinical testing. Allele origin: germline.
Comment: The CHD3 c.1823_1824delAG variant is predicted to result in a frameshift and premature protein termination (p.Glu608Valfs*37). To our knowledge, this variant has not been reported in the literature or in a large population database, indicating this variant is rare. Frameshift variants in CHD3 are expected to be pathogenic. This variant is interpreted as likely pathogenic.